The following is an entry in ClinVar:

NM_001036.6(RYR3):c.9760G>T (p.Glu3254Ter)

Gene: RYR3 (ryanodine receptor 3; plus strand). Cytogenetic location: 15q14.
Variant type: single nucleotide variant.
Coding change: c.9760G>T on transcript NM_001036.6 (MANE Select); coding-DNA position 9760, G replaced by T.
Protein change: p.Glu3254Ter; replaces glutamic acid 3254 with a stop codon.
Molecular consequence: nonsense.
Genome position (GRCh38, 1-based): chr15:33,788,388, G>T. VCF-style: chr15-33788388-G-T. GRCh37 (hg19) VCF-style: chr15-34080589-G-T.
Other names: c.9760G>T, p.Glu3254Ter (NM_001243996.4); short protein forms E3254*.
Identifiers: ClinVar variation 582227 (VCV000582227.6), dbSNP rs774163504, ClinGen allele CA391591854.
Genomic context (GRCh38, chr15:33,788,388, plus strand): 5'-GAGCAGTTGAAAGCCGATGGCAAAGGGGACACCCAGGAGGCAGAACTCCTCATCCTGGAC[G>T]AGTTCGCGGTCCTCTGCAGAGATCTCTATGCCTTCTACCCCATGCTGATCCGCTACGTGG-3'

ClinVar aggregate classification (germline): Uncertain significance (1 of 4 stars; one submission).

Conditions:
Epileptic encephalopathy. Identifiers: MedGen C0543888, HP:0200134.

Submission:

Labcorp Genetics (formerly Invitae), Labcorp
Classification: Uncertain significance for Epileptic encephalopathy. Last evaluated: 2021-05-21. Review status: criteria provided, single submitter. Criteria: Invitae Variant Classification Sherloc (09022015). Collection method: clinical testing. Allele origin: germline.
Comment: In summary, the available evidence is currently insufficient to determine the role of this variant in disease. Therefore, it has been classified as a Variant of Uncertain Significance. The current clinical and genetic evidence is not sufficient to establish whether loss-of-function variants in RYR3 cause disease. This variant has not been reported in the literature in individuals with RYR3-related disease. This variant is not present in population databases (ExAC no frequency). This sequence change creates a premature translational stop signal (p.Glu3254*) in the RYR3 gene. It is expected to result in an absent or disrupted protein product.